The following is an entry in ClinVar:

NM_004364.5(CEBPA):c.6G>C (p.Glu2Asp)

Genes: CEBPA (CCAAT enhancer binding protein alpha; minus strand), LOC130064183 (ATAC-STARR-seq lymphoblastoid silent region 10495; plus strand). Cytogenetic location: 19q13.11.
Variant type: single nucleotide variant.
Coding change: c.6G>C on transcript NM_004364.5 (MANE Select); coding-DNA position 6, G replaced by C.
Protein change: p.Glu2Asp; replaces glutamic acid 2 with aspartic acid.
Molecular consequence: missense variant. On other transcripts: 5 prime UTR variant (2).
Genome position (GRCh38, 1-based): chr19:33,302,409, C>G on the plus strand (G>C on the coding strand, the complement: CEBPA is on the minus strand). VCF-style: chr19-33302409-C-G. GRCh37 (hg19) VCF-style: chr19-33793315-C-G.
Other names: c.-352G>C (NM_001285829.2); c.111G>C, p.Glu37Asp (NM_001287424.2); c.-37G>C (NM_001287435.2); short protein forms E2D, E37D.
Identifiers: ClinVar variation 1060112 (VCV001060112.9), dbSNP rs2145265146, ClinGen allele CA405275882.

ClinVar aggregate classification (germline): Uncertain significance (1 of 4 stars; one submission).

Conditions:
Acute myeloid leukemia (AML). Also called: Leukemia, acute myeloid, somatic; Leukemia, acute myelogenous, somatic; Acute myeloid leukemia, adult; AML adult; Acute non-lymphocytic leukemia; Acute granulocytic leukemia. Identifiers: Orphanet 519, MedGen C0023467, MeSH D015470, MONDO:0018874, OMIM 601626, HP:0004808. Disease mechanism: Constitutively activated FLT3.

Submission:

Labcorp Genetics (formerly Invitae), Labcorp
Classification: Uncertain significance for Acute myeloid leukemia. Last evaluated: 2020-04-10. Review status: criteria provided, single submitter. Criteria: Invitae Variant Classification Sherloc (09022015). Collection method: clinical testing. Allele origin: germline.
Comment: Algorithms developed to predict the effect of missense changes on protein structure and function are either unavailable or do not agree on the potential impact of this missense change (SIFT: "Tolerated"; PolyPhen-2: "Probably Damaging"; Align-GVGD: "Class C0"). In summary, the available evidence is currently insufficient to determine the role of this variant in disease. Therefore, it has been classified as a Variant of Uncertain Significance. This variant has not been reported in the literature in individuals with CEBPA-related conditions. This sequence change replaces glutamic acid with aspartic acid at codon 2 of the CEBPA protein (p.Glu2Asp). The glutamic acid residue is moderately conserved and there is a small physicochemical difference between glutamic acid and aspartic acid. The frequency data for this variant in the population databases is considered unreliable, as metrics indicate insufficient coverage at this position in the ExAC database.